The following is an entry in ClinVar:

NM_001001557.4(GDF6):c.732G>C (p.Glu244Asp)

Gene: GDF6 (growth differentiation factor 6; minus strand). Cytogenetic location: 8q22.1.
Variant type: single nucleotide variant.
Coding change: c.732G>C on transcript NM_001001557.4 (MANE Select); coding-DNA position 732, G replaced by C.
Protein change: p.Glu244Asp; replaces glutamic acid 244 with aspartic acid.
Molecular consequence: missense variant.
Genome position (GRCh38, 1-based): chr8:96,145,199, C>G on the plus strand (G>C on the coding strand, the complement: GDF6 is on the minus strand). VCF-style: chr8-96145199-C-G. GRCh37 (hg19) VCF-style: chr8-97157427-C-G.
Other names: c.732G>C (NM_001001557.3); short protein forms E244D.
Identifiers: ClinVar variation 2929172 (VCV002929172.4), dbSNP rs1201519354, ClinGen allele CA371751976.

ClinVar aggregate classification (germline): Conflicting classifications of pathogenicity. Review status: criteria provided, conflicting classifications (1 of 4 stars). 2 submissions from 2 submitters: Uncertain significance (1); Benign (1). Last evaluated 2026-09-22.

Conditions:
Klippel-Feil syndrome 1, autosomal dominant (KFS1). Also called: CERVICAL VERTEBRAL FUSION, AUTOSOMAL DOMINANT. Identifiers: Orphanet 2345, MedGen C1861689, MONDO:0007306, OMIM 118100.
Microphthalmia, isolated, with coloboma 6 (MCOPCB6). Also called: Microphthalmia with coloboma 6, digenic; Microphthalmia with coloboma 6; MICROPHTHALMIA/COLOBOMA 6. Identifiers: Orphanet 98938, MedGen C3150968, MONDO:0013376, OMIM 613703.
Isolated microphthalmia 4. Identifiers: Orphanet 2542, MedGen C2751307, MONDO:0013130, OMIM 613094.
Leber congenital amaurosis 17 (LCA17). Identifiers: Orphanet 65, MedGen C3715164, MONDO:0014145, OMIM 615360.
GDF6-related disorder. Also called: GDF6-related condition.

Allele frequency attached by ClinVar (database versions not stated): gnomAD 0.00003; TOPMed 0.00003.
gnomAD v4.1: 9 of 1,500,496 alleles (0.0006%); highest among the groups gnomAD compares: African/African-American, 0.012%; no homozygotes.

Submissions (2):

PreventionGenetics, part of Exact Sciences
Classification: Uncertain significance for GDF6-related condition. Last evaluated: 2026-09-22. Review status: criteria provided, single submitter. Criteria: ACMG Guidelines, 2015. Collection method: clinical testing. Allele origin: germline.
Comment: The GDF6 c.732G>C variant is predicted to result in the amino acid substitution p.Glu244Asp. To our knowledge, this variant has not been reported in the literature. This variant is reported in 0.023% of alleles in individuals of African descent in gnomAD. At this time, the clinical significance of this variant is uncertain due to the absence of conclusive functional and genetic evidence.

Labcorp Genetics (formerly Invitae), Labcorp
Classification: Benign for Isolated microphthalmia 4; Leber congenital amaurosis 17; Klippel-Feil syndrome 1, autosomal dominant; Microphthalmia, isolated, with coloboma 6. Last evaluated: 2025-10-02. Review status: criteria provided, single submitter. Criteria: Invitae Variant Classification Sherloc (09022015). Collection method: clinical testing. Allele origin: germline.